The following is an entry in ClinVar:

ClinVar aggregate classification (germline): Uncertain significance (1 of 4 stars; one submission).

Allele frequency attached by ClinVar (database versions not stated): gnomAD exomes below 0.00001.
gnomAD v4.1: 2 of 1,612,418 alleles (0.00012%); highest among the groups gnomAD compares: Non-Finnish European, 0.00017%; no homozygotes.

Submission:

Labcorp Genetics (formerly Invitae), Labcorp
Classification: Uncertain significance. Last evaluated: 2023-08-17. Review status: criteria provided, single submitter. Criteria: Invitae Variant Classification Sherloc (09022015). Collection method: clinical testing. Allele origin: germline.
Comment: In summary, the available evidence is currently insufficient to determine the role of this variant in disease. Therefore, it has been classified as a Variant of Uncertain Significance. An algorithm developed to predict the effect of missense changes on protein structure and function (PolyPhen-2) suggests that this variant is likely to be disruptive. ClinVar contains an entry for this variant (Variation ID: 2059880). This variant has not been reported in the literature in individuals affected with FGFRL1-related conditions. This variant is not present in population databases (gnomAD no frequency). This sequence change replaces aspartic acid, which is acidic and polar, with asparagine, which is neutral and polar, at codon 331 of the FGFRL1 protein (p.Asp331Asn).

NM_001004356.3(FGFRL1):c.991G>A (p.Asp331Asn)

Gene: FGFRL1 (fibroblast growth factor receptor like 1; plus strand). Cytogenetic location: 4p16.3.
Variant type: single nucleotide variant.
Coding change: c.991G>A on transcript NM_001004356.3 (MANE Select); coding-DNA position 991, G replaced by A.
Protein change: p.Asp331Asn; replaces aspartic acid 331 with asparagine.
Molecular consequence: missense variant.
Genome position (GRCh38, 1-based): chr4:1,024,583, G>A. VCF-style: chr4-1024583-G-A. GRCh37 (hg19) VCF-style: chr4-1018371-G-A.
Other names: c.991G>A, p.Asp331Asn (NM_001004358.1, NM_001370296.1, NM_021923.3); short protein forms D331N.
Identifiers: ClinVar variation 2059880 (VCV002059880.4), dbSNP rs2534153006, ClinGen allele CA355933299.
Genomic context (GRCh38, chr4:1,024,583, plus strand): 5'-GTGTGGTCGCGGCCCGACGGCTCCTACCTCAATAAGCTGCTCATCACCCGTGCCCGCCAG[G>A]ACGATGCGGGCATGTACATCTGCCTTGGCGCCAACACCATGGGCTACAGCTTCCGCAGCG-3'
Protein context (NP_001004356.1, residues 321-341): NKLLITRARQ[Asp331Asn]DAGMYICLGA